The following is an entry in ClinVar:

ClinVar aggregate classification (germline): Uncertain significance (1 of 4 stars; one submission).

Submission:

GeneDx
Classification: Uncertain significance. Last evaluated: 2022-02-11. Review status: criteria provided, single submitter. Criteria: GeneDx Variant Classification Process June 2021. Collection method: clinical testing. Allele origin: germline. Affected: yes.
Comment: Not observed at significant frequency in large population cohorts (gnomAD); In silico analysis supports that this missense variant has a deleterious effect on protein structure/function; Has not been previously published as pathogenic or benign to our knowledge

NM_020297.4(ABCC9):c.410T>A (p.Leu137Gln)

Gene: ABCC9 (ATP binding cassette subfamily C member 9; minus strand). Cytogenetic location: 12p12.1.
Variant type: single nucleotide variant.
Coding change: c.410T>A on transcript NM_020297.4 (MANE Select); coding-DNA position 410, T replaced by A.
Protein change: p.Leu137Gln; replaces leucine 137 with glutamine.
Molecular consequence: missense variant. On other transcripts: intron variant (1).
Genome position (GRCh38, 1-based): chr12:21,917,100, A>T on the plus strand (T>A on the coding strand, the complement: ABCC9 is on the minus strand). VCF-style: chr12-21917100-A-T. GRCh37 (hg19) VCF-style: chr12-22070034-A-T.
Other names: c.410T>A, p.Leu137Gln (NM_001377273.1, NM_005691.4); c.-48-4034T>A (NM_001377274.1); short protein forms L137Q.
Identifiers: ClinVar variation 1704177 (VCV001704177.2), dbSNP rs2541749034, ClinGen allele CA384125942.